The following is an entry in ClinVar:

NM_000059.4(BRCA2):c.4980_4981insG (p.Tyr1661fs)

Gene: BRCA2 (BRCA2 DNA repair associated; plus strand). Cytogenetic location: 13q13.1.
Variant type: Insertion.
Coding change: c.4980_4981insG on transcript NM_000059.4 (MANE Select); coding-DNA positions 4980 to 4981, G inserted.
Protein change: p.Tyr1661fs; shifts the reading frame from tyrosine 1661.
Molecular consequence: frameshift variant.
Genome position: GRCh38 VCF-style: chr13-32339335-T-TG. GRCh37 (hg19) VCF-style: chr13-32913472-T-TG.
Other names: short protein forms Y1661fs.
Identifiers: ClinVar variation 548414 (VCV000548414.1), dbSNP rs1555284020, ClinGen allele CA658823627.

ClinVar aggregate classification (germline): Pathogenic (3 of 4 stars; one submission).

Conditions:
Breast-ovarian cancer, familial, susceptibility to, 2 (BROVCA2). Also called: BRCA2 Hereditary Breast and Ovarian Cancer. Identifiers: Orphanet 145, MedGen C2675520, MONDO:0012933, OMIM 612555. Disease mechanism: loss of function.

Submission:

Evidence-based Network for the Interpretation of Germline Mutant Alleles (ENIGMA)
Classification: Pathogenic for Breast-ovarian cancer, familial, susceptibility to, 2. Last evaluated: 2017-12-15. Review status: reviewed by expert panel. Criteria: ENIGMA BRCA1/2 Classification Criteria (2017-06-29). Collection method: curation. Allele origin: germline. Study: ENIGMA.
Comment: Variant allele predicted to encode a truncated non-functional protein.